The following is an entry in ClinVar:

ClinVar aggregate classification (germline): Uncertain significance (1 of 4 stars; one submission).

Conditions:
Werner syndrome (WRN). Identifiers: Orphanet 902, MedGen C0043119, MONDO:0010196, OMIM 277700.

Submission:

Labcorp Genetics (formerly Invitae), Labcorp
Classification: Uncertain significance for Werner syndrome. Last evaluated: 2023-10-25. Review status: criteria provided, single submitter. Criteria: Invitae Variant Classification Sherloc (09022015). Collection method: clinical testing. Allele origin: germline.
Comment: This sequence change replaces proline, which is neutral and non-polar, with leucine, which is neutral and non-polar, at codon 723 of the WRN protein (p.Pro723Leu). This variant is not present in population databases (gnomAD no frequency). This variant has not been reported in the literature in individuals affected with WRN-related conditions. ClinVar contains an entry for this variant (Variation ID: 834802). An algorithm developed to predict the effect of missense changes on protein structure and function (PolyPhen-2) suggests that this variant is likely to be disruptive. In summary, the available evidence is currently insufficient to determine the role of this variant in disease. Therefore, it has been classified as a Variant of Uncertain Significance.

NM_000553.6(WRN):c.2168C>T (p.Pro723Leu)

Gene: WRN (WRN RecQ like helicase; plus strand). Cytogenetic location: 8p12.
Variant type: single nucleotide variant.
Coding change: c.2168C>T on transcript NM_000553.6 (MANE Select); coding-DNA position 2168, C replaced by T.
Protein change: p.Pro723Leu; replaces proline 723 with leucine.
Molecular consequence: missense variant.
Genome position (GRCh38, 1-based): chr8:31,111,694, C>T. VCF-style: chr8-31111694-C-T. GRCh37 (hg19) VCF-style: chr8-30969210-C-T.
Other names: short protein forms P723L.
Identifiers: ClinVar variation 834802 (VCV000834802.5), dbSNP rs778467522, ClinGen allele CA370912663.